The following is an entry in ClinVar:

NM_022765.4(MICAL1):c.3011A>C (p.Gln1004Pro)

Gene: MICAL1 (microtubule associated monooxygenase, calponin and LIM domain containing 1; minus strand). Cytogenetic location: 6q21.
Variant type: single nucleotide variant.
Coding change: c.3011A>C on transcript NM_022765.4 (MANE Select); coding-DNA position 3011, A replaced by C.
Protein change: p.Gln1004Pro; replaces glutamine 1004 with proline.
Molecular consequence: missense variant.
Genome position (GRCh38, 1-based): chr6:109,444,769, T>G on the plus strand (A>C on the coding strand, the complement: MICAL1 is on the minus strand). VCF-style: chr6-109444769-T-G. GRCh37 (hg19) VCF-style: chr6-109765972-T-G.
Other names: c.2753A>C, p.Gln918Pro (NM_001159291.2); c.3068A>C, p.Gln1023Pro (NM_001286613.2); short protein forms Q1004P, Q1023P, Q918P.
Identifiers: ClinVar variation 3011669 (VCV003011669.3), dbSNP rs1337497569, ClinGen allele CA365221045.

ClinVar aggregate classification (germline): Uncertain significance (1 of 4 stars; one submission).

Allele frequency attached by ClinVar (database versions not stated): gnomAD exomes below 0.00001; TOPMed 0.00001; gnomAD 0.00003.
gnomAD v4.1: 6 of 1,614,038 alleles (0.00037%); highest among the groups gnomAD compares: African/African-American, 0.008%; no homozygotes.

Submission:

Labcorp Genetics (formerly Invitae), Labcorp
Classification: Uncertain significance. Last evaluated: 2024-09-19. Review status: criteria provided, single submitter. Criteria: Invitae Variant Classification Sherloc (09022015). Collection method: clinical testing. Allele origin: germline.
Comment: This sequence change replaces glutamine, which is neutral and polar, with proline, which is neutral and non-polar, at codon 1023 of the MICAL1 protein (p.Gln1023Pro). This variant is present in population databases (no rsID available, gnomAD 0.03%). This variant has not been reported in the literature in individuals affected with MICAL1-related conditions. An algorithm developed to predict the effect of missense changes on protein structure and function (PolyPhen-2) suggests that this variant is likely to be disruptive. In summary, the available evidence is currently insufficient to determine the role of this variant in disease. Therefore, it has been classified as a Variant of Uncertain Significance.